The following is an entry in ClinVar:

ClinVar aggregate classification (germline): Uncertain significance (1 of 4 stars; one submission).

Conditions:
Rubinstein-Taybi syndrome (RSTS). Identifiers: Orphanet 783, MedGen C0035934, MONDO:0019188.

Submission:

Labcorp Genetics (formerly Invitae), Labcorp
Classification: Uncertain significance for Rubinstein-Taybi syndrome. Last evaluated: 2022-07-23. Review status: criteria provided, single submitter. Criteria: Invitae Variant Classification Sherloc (09022015). Collection method: clinical testing. Allele origin: germline.
Comment: In summary, the available evidence is currently insufficient to determine the role of this variant in disease. Therefore, it has been classified as a Variant of Uncertain Significance. Advanced modeling of protein sequence and biophysical properties (such as structural, functional, and spatial information, amino acid conservation, physicochemical variation, residue mobility, and thermodynamic stability) performed at Invitae indicates that this missense variant is not expected to disrupt CREBBP protein function. This variant has not been reported in the literature in individuals affected with CREBBP-related conditions. This variant is not present in population databases (gnomAD no frequency). This sequence change replaces glutamine, which is neutral and polar, with histidine, which is basic and polar, at codon 1257 of the CREBBP protein (p.Gln1257His).

NM_004380.3(CREBBP):c.3771G>T (p.Gln1257His)

Gene: CREBBP (CREB binding lysine acetyltransferase; minus strand). Cytogenetic location: 16p13.3.
Variant type: single nucleotide variant.
Coding change: c.3771G>T on transcript NM_004380.3 (MANE Select); coding-DNA position 3771, G replaced by T.
Protein change: p.Gln1257His; replaces glutamine 1257 with histidine.
Molecular consequence: missense variant.
Genome position (GRCh38, 1-based): chr16:3,751,734, C>A on the plus strand (G>T on the coding strand, the complement: CREBBP is on the minus strand). VCF-style: chr16-3751734-C-A. GRCh37 (hg19) VCF-style: chr16-3801735-C-A.
Other names: c.3657G>T, p.Gln1219His (NM_001079846.1); short protein forms Q1219H, Q1257H.
Identifiers: ClinVar variation 1713411 (VCV001713411.5), dbSNP rs2151373637, ClinGen allele CA394567978.
Genomic context (GRCh38, chr16:3,751,734, plus strand): 5'-AATTTAAGGTCACCCTCCCTCACCCCAGAGAAAATGACAGGACGGTACTTACGTCTGGGG[C>A]TGTGAAGGGTCGTCACCCAGGGTCACATTCTCGCCCTGGATCTCTGTGAAACACTTCTCA-3'
Protein context (NP_004371.2, residues 1247-1267): ENVTLGDDPS[Gln1257His]PQTTISKDQF